The following is an entry in ClinVar:

NM_007294.4(BRCA1):c.3666G>C (p.Glu1222Asp)

Genes: BRCA1 (BRCA1 DNA repair associated; minus strand), LOC126862571 (BRD4-independent group 4 enhancer GRCh37_chr17:41243136-41244335; plus strand). Cytogenetic location: 17q21.31.
Variant type: single nucleotide variant.
Coding change: c.3666G>C on transcript NM_007294.4 (MANE Select); coding-DNA position 3666, G replaced by C.
Protein change: p.Glu1222Asp; replaces glutamic acid 1222 with aspartic acid.
Molecular consequence: missense variant. On other transcripts: intron variant (135).
Genome position (GRCh38, 1-based): chr17:43,091,865, C>G on the plus strand (G>C on the coding strand, the complement: BRCA1 is on the minus strand). VCF-style: chr17-43091865-C-G. GRCh37 (hg19) VCF-style: chr17-41243882-C-G.
Other names: c.3663G>C, p.Glu1221Asp (NM_001407614.1, NM_001407615.1, NM_001407627.1 and 22 more transcripts); c.3666G>C, p.Glu1222Asp (NM_001407616.1, NM_001407617.1, NM_001407618.1 and 30 more transcripts); c.3657G>C, p.Glu1219Asp (NM_001407646.1, NM_001407647.1); c.3543G>C, p.Glu1181Asp (NM_001407648.1, NM_001407664.1, NM_001407665.1 and 19 more transcripts); c.3540G>C, p.Glu1180Asp (NM_001407649.1, NM_001407670.1, NM_001407671.1 and 11 more transcripts); c.3588G>C, p.Glu1196Asp (NM_001407653.1, NM_001407654.1, NM_001407655.1 and 4 more transcripts); c.3585G>C, p.Glu1195Asp (NM_001407659.1, NM_001407660.1, NM_001407661.1 and 1 more transcripts); c.3525G>C, p.Glu1175Asp (NM_001407692.1, NM_001407694.1, NM_001407695.1 and 29 more transcripts); and 41 more; short protein forms E1222D, E1175D, E1134D, E1155D, E926D, E1111D, E1152D, E1154D.
Identifiers: ClinVar variation 462618 (VCV000462618.22), dbSNP rs1555587312, ClinGen allele CA10594638.

ClinVar aggregate classification (germline): Conflicting classifications of pathogenicity. Review status: criteria provided, conflicting classifications (1 of 4 stars). 7 submissions from 7 submitters: Uncertain significance (6); Likely benign (1). Last evaluated 2025-03-04.

Conditions:
Hereditary cancer-predisposing syndrome. Also called: Neoplastic Syndromes, Hereditary; Hereditary Cancer Syndrome; Hereditary neoplastic syndrome; Tumor predisposition. Identifiers: Orphanet 140162, MedGen C0027672, MeSH D009386, MONDO:0015356.
Hereditary breast ovarian cancer syndrome. Also called: Hereditary breast and ovarian cancer syndrome (HBOC); Hereditary breast and ovarian cancer syndrome; Breast and ovarian cancer; Hereditary breast and/or ovarian cancer syndrome; Hereditary breast and ovarian cancer; BRCA1- and BRCA2-Associated Hereditary Breast and Ovarian Cancer. Identifiers: Orphanet 145, MedGen C0677776, MeSH D061325, MONDO:0003582. Disease mechanism: loss of function.

Submissions (7):

Center for Genomic Medicine, Rigshospitalet, Copenhagen University Hospital
Classification: Uncertain significance. Last evaluated: 2025-03-04. Review status: criteria provided, single submitter. Criteria: ACMG Guidelines, 2015. Collection method: clinical testing. Allele origin: germline.

Color Diagnostics, LLC DBA Color Health
Classification: Uncertain significance for Hereditary cancer-predisposing syndrome. Last evaluated: 2024-01-08. Review status: criteria provided, single submitter. Criteria: ACMG Guidelines, 2015. Collection method: clinical testing. Allele origin: germline.
Comment: This missense variant replaces glutamic acid with aspartic acid at codon 1222 of the BRCA1 protein. Computational prediction suggests that this variant may not impact protein structure and function (internally defined REVEL score threshold <= 0.5, PMID: 27666373). To our knowledge, functional studies have not been reported for this variant. This variant has been reported in an individual affected with breast cancer (DOI:10.1186/s43042-023-00442-w) and in a prostate cancer case-control study in 1/7636 prostate cancer cases and absent in 12366 unaffected individuals (PMID: 31214711). This variant has not been identified in the general population by the Genome Aggregation Database (gnomAD). The available evidence is insufficient to determine the role of this variant in disease conclusively. Therefore, this variant is classified as a Variant of Uncertain Significance.

Labcorp Genetics (formerly Invitae), Labcorp
Classification: Uncertain significance for Hereditary breast ovarian cancer syndrome. Last evaluated: 2023-05-30. Review status: criteria provided, single submitter. Criteria: Invitae Variant Classification Sherloc (09022015). Collection method: clinical testing. Allele origin: germline.
Comment: In summary, the available evidence is currently insufficient to determine the role of this variant in disease. Therefore, it has been classified as a Variant of Uncertain Significance. Advanced modeling of protein sequence and biophysical properties (such as structural, functional, and spatial information, amino acid conservation, physicochemical variation, residue mobility, and thermodynamic stability) performed at Invitae indicates that this missense variant is not expected to disrupt BRCA1 protein function. ClinVar contains an entry for this variant (Variation ID: 462618). This missense change has been observed in individual(s) with BRCA1-related conditions (PMID: 31954625). This variant is not present in population databases (gnomAD no frequency). This sequence change replaces glutamic acid, which is acidic and polar, with aspartic acid, which is acidic and polar, at codon 1222 of the BRCA1 protein (p.Glu1222Asp).

University of Washington Department of Laboratory Medicine, University of Washington
Classification: Likely benign for Hereditary cancer-predisposing syndrome. Last evaluated: 2023-03-23. Review status: criteria provided, single submitter. Criteria: Dines et al. (Genet Med. 2020). Collection method: curation. Allele origin: germline.
Comment: Missense variant in a coldspot region where missense variants are very unlikely to be pathogenic (PMID:31911673).

BRCA1 coldspot (exon 11 using historical exon numbering). Reclassification based on statistical prior probability

Sema4
Classification: Uncertain significance for Hereditary cancer-predisposing syndrome. Last evaluated: 2022-03-04. Review status: criteria provided, single submitter. Criteria: Sema4 Curation Guidelines. Collection method: curation. Allele origin: germline.
Comment: The BRCA1 c.3666G>C (p.E1222D) variant has been reported in at least 1 individual with breast and/or ovarian cancer (PMID: 31954625). This variant was not reported in the population database Genome Aggregation Database (PMID: 32461654). This variant has been reported in ClinVar (Variation ID: 462618). Functional studies have not been performed, and in silico predictions of the variant's effect on protein function are inconclusive. The evidence is insufficient to meet ACMG/AMP criteria for classifying the variant as benign or pathogenic. Thus, the clinical significance of this variant is currently uncertain.

ARUP Laboratories, Molecular Genetics and Genomics, ARUP Laboratories
Classification: Uncertain significance. Last evaluated: 2017-08-25. Review status: criteria provided, single submitter. Criteria: ARUP Molecular Germline Variant Investigation Process. Collection method: clinical testing. Allele origin: germline.
Comment: The BRCA1 c.3666G>C;p.Glu1222Asp variant has not been described in the medical literature, in gene-specific databases, or in the ClinVar database. The variant is not listed in the dbSNP variant database or in the general population-based databases (Exome Variant Server, Genome Aggregation Database). The amino acid at this position is moderately conserved across species and computational algorithms (AlignGVGD, PolyPhen2, SIFT) predict this variant is tolerated. Considering available information, there is insufficient evidence to classify this variant with certainty. Pathogenic BRCA1 variants are causative for hereditary breast and ovarian cancer (OMIM#113705).

Ambry Genetics
Classification: Uncertain significance for Hereditary cancer-predisposing syndrome. Last evaluated: 2016-12-20. Review status: criteria provided, single submitter. Criteria: Ambry Variant Classification Scheme 2023. Collection method: clinical testing. Allele origin: germline.
Comment: The p.E1222D variant (also known as c.3666G>C), located in coding exon 9 of the BRCA1 gene, results from a G to C substitution at nucleotide position 3666. The glutamic acid at codon 1222 is replaced by aspartic acid, an amino acid with highly similar properties. This amino acid position is well conserved in available vertebrate species. In addition, this alteration is predicted to be tolerated by in silico analysis. Since supporting evidence is limited at this time, the clinical significance of this alteration remains unclear.

Literature cited by the submitters: PubMed 31911673 (cited by Center for Genomic Medicine, Rigshospitalet, Copenhagen University Hospital); PubMed 31214711 (cited by Color Diagnostics, LLC DBA Color Health); PubMed 31954625 (cited by Labcorp Genetics (formerly Invitae), Labcorp and Sema4).